The following is an entry in ClinVar:

ClinVar aggregate classification (germline): Conflicting classifications of pathogenicity. Review status: criteria provided, conflicting classifications (1 of 4 stars). 7 submissions from 7 submitters: Uncertain significance (1); Benign (1); Likely benign (3). 2 of the submissions do not count toward it. Last evaluated 2026-03-01.

Conditions:
Knobloch syndrome (KNO). Also called: RETINAL DETACHMENT AND OCCIPITAL ENCEPHALOCELE; Myopia retinal detachment encephalocele. Identifiers: Orphanet 1571, MedGen C1849409, MONDO:0800166.

Allele frequency attached by ClinVar (database versions not stated): gnomAD 0.00010; TOPMed 0.00012; ExAC 0.00015; 1000 Genomes Project 30x 0.00016; ESP Exome Variant Server 0.00017; gnomAD exomes 0.00017 and 0.00018; 1000 Genomes Project 0.00020.
gnomAD v4.1: 278 of 1,609,546 alleles (0.017%); highest among the groups gnomAD compares: Middle Eastern, 0.083%; no homozygotes.

Submissions (7):

CeGaT Center for Human Genetics Tuebingen
Classification: Likely benign. Last evaluated: 2026-03-01. Review status: criteria provided, single submitter. Criteria: CeGaT Center For Human Genetics Tuebingen Variant Classification Criteria Version 2. Collection method: clinical testing. Allele origin: germline. Affected: yes. Observed: 1 variant allele.
Comment: COL18A1: BP4, BP7

Labcorp Genetics (formerly Invitae), Labcorp
Classification: Benign. Last evaluated: 2026-02-01. Review status: criteria provided, single submitter. Criteria: Invitae Variant Classification Sherloc (09022015). Collection method: clinical testing. Allele origin: germline.

Blueprint Genetics
Classification: Likely benign. Last evaluated: 2024-11-15. Review status: criteria provided, single submitter. Criteria: ACMG Guidelines, 2015. Collection method: clinical testing. Allele origin: germline.

Women's Health and Genetics/Laboratory Corporation of America, LabCorp
Classification: Likely benign. Last evaluated: 2024-10-04. Review status: criteria provided, single submitter. Criteria: LabCorp Variant Classification Summary - May 2015. Collection method: clinical testing. Allele origin: germline.

Illumina Laboratory Services, Illumina
Classification: Uncertain significance for Knobloch syndrome 1. Last evaluated: 2018-01-13. Review status: criteria provided, single submitter. Criteria: ICSL Variant Classification Criteria 13 December 2019. Collection method: clinical testing. Allele origin: germline.

Clinical Genetics DNA and cytogenetics Diagnostics Lab, Erasmus MC, Erasmus Medical Center
Classification: Likely benign. Review status: no assertion criteria provided. Collection method: clinical testing. Allele origin: germline. Affected: yes. Study: VKGL Data-share Consensus. Not counted in ClinVar's aggregate classification.

Clinical Genetics, Academic Medical Center
Classification: Benign. Review status: no assertion criteria provided. Collection method: clinical testing. Allele origin: germline. Affected: yes. Study: VKGL Data-share Consensus. Not counted in ClinVar's aggregate classification.

NM_001379500.1(COL18A1):c.2388C>T (p.Tyr796=)

Gene: COL18A1 (collagen type XVIII alpha 1 chain; plus strand). Cytogenetic location: 21q22.3.
Variant type: single nucleotide variant.
Coding change: c.2388C>T on transcript NM_001379500.1 (MANE Select); coding-DNA position 2388, C replaced by T.
Protein change: p.Tyr796=; no amino-acid change (tyrosine 796 retained).
Molecular consequence: synonymous variant.
Genome position (GRCh38, 1-based): chr21:45,494,870, C>T. VCF-style: chr21-45494870-C-T. GRCh37 (hg19) VCF-style: chr21-46914784-C-T.
Other names: NM_130445.2:c.2388C>T; c.2928C>T, p.Tyr976= (NM_030582.4); c.3633C>T, p.Tyr1211= (NM_130444.3).
Identifiers: ClinVar variation 898256 (VCV000898256.21), dbSNP rs139122081, ClinGen allele CA10067064.